The following is an entry in ClinVar:

NM_022051.3(EGLN1):c.25G>A (p.Gly9Ser)

Gene: EGLN1 (egl-9 family hypoxia inducible factor 1; minus strand). Cytogenetic location: 1q42.2.
Variant type: single nucleotide variant.
Coding change: c.25G>A on transcript NM_022051.3 (MANE Select); coding-DNA position 25, G replaced by A.
Protein change: p.Gly9Ser; replaces glycine 9 with serine.
Molecular consequence: missense variant.
Genome position (GRCh38, 1-based): chr1:231,421,864, C>T on the plus strand (G>A on the coding strand, the complement: EGLN1 is on the minus strand). VCF-style: chr1-231421864-C-T. GRCh37 (hg19) VCF-style: chr1-231557610-C-T.
Other names: c.25G>A, p.Gly9Ser (NM_001377260.1, NM_001377261.1); short protein forms G9S.
Identifiers: ClinVar variation 3507218 (VCV003507218.1).

ClinVar aggregate classification (germline): Uncertain significance (1 of 4 stars; one submission).

Submission:

Ambry Genetics
Classification: Uncertain significance. Last evaluated: 2024-08-22. Review status: criteria provided, single submitter. Criteria: Ambry Variant Classification Scheme 2023. Collection method: clinical testing. Allele origin: germline.
Comment: The p.G9S variant (also known as c.25G>A), located in coding exon 1 of the EGLN1 gene, results from a G to A substitution at nucleotide position 25. The glycine at codon 9 is replaced by serine, an amino acid with similar properties. This amino acid position is conserved. In addition, this alteration is predicted to be tolerated by in silico analysis. Based on the available evidence, the clinical significance of this variant remains unclear.